The following is an entry in ClinVar:

NM_000053.4(ATP7B):c.900del (p.Lys300fs)

Gene: ATP7B (ATPase copper transporting beta; minus strand). Cytogenetic location: 13q14.3.
Variant type: Deletion.
Coding change: c.900del on transcript NM_000053.4 (MANE Select); coding-DNA position 900, one base deleted (G; older notation c.900delG).
Protein change: p.Lys300fs; shifts the reading frame from lysine 300.
Molecular consequence: frameshift variant. On other transcripts: intron variant (2).
Genome position (GRCh38, 1-based): chr13:51,974,320, C deleted on the plus strand (G on the coding strand, the reverse complement: ATP7B is on the minus strand). VCF-style (leftmost placement, unchanged base first): chr13-51974319-AC-A. GRCh37 (hg19) VCF-style: chr13-52548455-AC-A.
Other names: c.900del, p.Lys300fs (NM_001005918.3, NM_001330578.2, NM_001330579.2 and 29 more transcripts); c.804del, p.Lys268fs (NM_001406517.1, NM_001406518.1, NM_001406530.1 and 3 more transcripts); c.802+98del (NM_001243182.2); c.706+98del (NM_001406539.1); short protein forms K268fs, K300fs.
Identifiers: ClinVar variation 5005269 (VCV005005269.2).

ClinVar aggregate classification (germline): Likely pathogenic (1 of 4 stars; one submission).

Conditions:
Wilson disease (WND). Also called: Wilson's disease. Identifiers: Orphanet 905, MedGen C0019202, MONDO:0010200, OMIM 277900. Disease mechanism: loss of function.

Submission:

Juno Genomics, Hangzhou Juno Genomics, Inc
Classification: Likely pathogenic for Wilson disease. Review status: criteria provided, single submitter. Criteria: ACMG Guidelines, 2015. Collection method: clinical testing. Allele origin: germline.
Comment: Null variant in a gene where loss of function (LOF) is a known mechanism of disease.;Absent from controls (or at extremely low frequency if recessive) in Genome Aggregation Database.